The following is an entry in ClinVar:

ClinVar aggregate classification (germline): Likely benign. Review status: criteria provided, multiple submitters, no conflicts (2 of 4 stars). 4 submissions from 4 submitters: Likely benign (3). 1 of the submissions does not count toward it. Last evaluated 2026-01-28.

Conditions:
Hereditary hemochromatosis type 5.
Hereditary hemochromatosis (HFE). Identifiers: MedGen C0392514, MONDO:0006507. Disease mechanism: loss of function.
TFR2-related disorder. Also called: TFR2-related condition.

Allele frequency attached by ClinVar (database versions not stated): TOPMed 0.00022; gnomAD 0.00029; ESP Exome Variant Server 0.00031; gnomAD exomes 0.00037; ExAC 0.00096.
gnomAD v4.1: 561 of 1,598,544 alleles (0.035%); highest among the groups gnomAD compares: Non-Finnish European, 0.045%; no homozygotes.

Submissions (4):

Labcorp Genetics (formerly Invitae), Labcorp
Classification: Likely benign for Hereditary hemochromatosis. Last evaluated: 2026-01-28. Review status: criteria provided, single submitter. Criteria: Invitae Variant Classification Sherloc (09022015). Collection method: clinical testing. Allele origin: germline.

PreventionGenetics, part of Exact Sciences
Classification: Likely benign for TFR2-related condition. Last evaluated: 2025-11-03. Review status: criteria provided, single submitter. Criteria: ACMG Guidelines, 2015. Collection method: clinical testing. Allele origin: germline.
Comment: This variant is classified as likely benign based on ACMG/AMP sequence variant interpretation guidelines (Richards et al. 2015 PMID: 25741868, with internal and published modifications).

Blueprint Genetics
Classification: Likely benign. Last evaluated: 2024-11-26. Review status: criteria provided, single submitter. Criteria: ACMG Guidelines, 2015. Collection method: clinical testing. Allele origin: germline.

Natera, Inc.
Classification: Likely benign for Hereditary hemochromatosis type 5. Last evaluated: 2020-09-16. Review status: no assertion criteria provided. Collection method: clinical testing. Allele origin: germline. Not counted in ClinVar's aggregate classification.

NM_003227.4(TFR2):c.1812T>C (p.Tyr604=)

Gene: TFR2 (transferrin receptor 2; minus strand). Cytogenetic location: 7q22.1.
Variant type: single nucleotide variant.
Coding change: c.1812T>C on transcript NM_003227.4 (MANE Select); coding-DNA position 1812, T replaced by C.
Protein change: p.Tyr604=; no amino-acid change (tyrosine 604 retained).
Molecular consequence: synonymous variant.
Genome position (GRCh38, 1-based): chr7:100,627,447, A>G on the plus strand (T>C on the coding strand, the complement: TFR2 is on the minus strand). VCF-style: chr7-100627447-A-G. GRCh37 (hg19) VCF-style: chr7-100225070-A-G.
Other names: c.1299T>C, p.Tyr433= (NM_001206855.3).
Identifiers: ClinVar variation 696246 (VCV000696246.25), dbSNP rs147286030, ClinGen allele CA4386267.